The following is an entry in ClinVar:

ClinVar aggregate classification (germline): Likely benign (1 of 4 stars; one submission).

Allele frequency attached by ClinVar (database versions not stated): TOPMed 0.00006; gnomAD 0.00007; gnomAD exomes 0.00007 and 0.00008; ExAC 0.00009; 1000 Genomes Project 30x 0.00016.
gnomAD v4.1: 110 of 1,549,088 alleles (0.0071%); highest among the groups gnomAD compares: South Asian, 0.017%; no homozygotes.

Submission:

Laboratory for Molecular Medicine, Mass General Brigham Personalized Medicine
Classification: Likely benign. Last evaluated: 2017-04-20. Review status: criteria provided, single submitter. Criteria: LMM Criteria. Collection method: clinical testing. Allele origin: germline. Observed: 1 variant allele.
Comment: p.Gly1966Gly in exon 38 of LOXHD1: This variant is not expected to have clinical significance because it does not alter an amino acid residue and is not located within the splice consensus sequence. This variant has been identified in 1/927 0 European chromosomes by the Exome Aggregation Consortium (ExAC; dbSNP rs779218726).

NM_001384474.1(LOXHD1):c.6084C>T (p.Gly2028=)

Gene: LOXHD1 (lipoxygenase homology PLAT domains 1; minus strand). Cytogenetic location: 18q21.1.
Variant type: single nucleotide variant.
Coding change: c.6084C>T on transcript NM_001384474.1 (MANE Select); coding-DNA position 6084, C replaced by T.
Protein change: p.Gly2028=; no amino-acid change (glycine 2028 retained).
Molecular consequence: synonymous variant.
Genome position (GRCh38, 1-based): chr18:46,485,117, G>A on the plus strand (C>T on the coding strand, the complement: LOXHD1 is on the minus strand). VCF-style: chr18-46485117-G-A. GRCh37 (hg19) VCF-style: chr18-44065080-G-A.
Other names: c.2751C>T, p.Gly917= (NM_001145472.3); c.801C>T, p.Gly267= (NM_001145473.3, NM_001173129.2); c.2463C>T, p.Gly821= (NM_001308013.2); c.5898C>T, p.Gly1966= (NM_144612.7).
Identifiers: ClinVar variation 517332 (VCV000517332.4), dbSNP rs779218726, ClinGen allele CA8952089.